The following is an entry in ClinVar:

ClinVar aggregate classification (germline): Conflicting classifications of pathogenicity. Review status: criteria provided, conflicting classifications (1 of 4 stars). 2 submissions from 2 submitters: Uncertain significance (1); Likely benign (1). Last evaluated 2023-03-23.

Conditions:
Hereditary cancer-predisposing syndrome. Also called: Hereditary neoplastic syndrome; Hereditary Cancer Syndrome; Neoplastic Syndromes, Hereditary; Tumor predisposition. Identifiers: Orphanet 140162, MedGen C0027672, MeSH D009386, MONDO:0015356.
Hereditary breast ovarian cancer syndrome. Also called: BRCA1- and BRCA2-Associated Hereditary Breast and Ovarian Cancer; Hereditary breast and ovarian cancer syndrome; Hereditary breast and ovarian cancer; Hereditary breast and ovarian cancer syndrome (HBOC); Breast and ovarian cancer; Hereditary breast and/or ovarian cancer syndrome. Identifiers: Orphanet 145, MedGen C0677776, MeSH D061325, MONDO:0003582. Disease mechanism: loss of function.

Submissions (2):

University of Washington Department of Laboratory Medicine, University of Washington
Classification: Likely benign for Hereditary cancer-predisposing syndrome. Last evaluated: 2023-03-23. Review status: criteria provided, single submitter. Criteria: Dines et al. (Genet Med. 2020). Collection method: curation. Allele origin: germline.
Comment: Missense variant in a coldspot region where missense variants are very unlikely to be pathogenic (PMID:31911673).

BRCA2 exon 11 coldspot. Reclassification based on statistical prior probability.

Labcorp Genetics (formerly Invitae), Labcorp
Classification: Uncertain significance for Hereditary breast ovarian cancer syndrome. Last evaluated: 2022-01-07. Review status: criteria provided, single submitter. Criteria: Invitae Variant Classification Sherloc (09022015). Collection method: clinical testing. Allele origin: germline.
Comment: ClinVar contains an entry for this variant (Variation ID: 236838). This variant has not been reported in the literature in individuals affected with BRCA2-related conditions. This variant is not present in population databases (gnomAD no frequency). This sequence change replaces phenylalanine, which is neutral and non-polar, with leucine, which is neutral and non-polar, at codon 753 of the BRCA2 protein (p.Phe753Leu). Advanced modeling of protein sequence and biophysical properties (such as structural, functional, and spatial information, amino acid conservation, physicochemical variation, residue mobility, and thermodynamic stability) performed at Invitae indicates that this missense variant is not expected to disrupt BRCA2 protein function. In summary, the available evidence is currently insufficient to determine the role of this variant in disease. Therefore, it has been classified as a Variant of Uncertain Significance.

NM_000059.4(BRCA2):c.2257T>C (p.Phe753Leu)

Gene: BRCA2 (BRCA2 DNA repair associated; plus strand). Cytogenetic location: 13q13.1.
Variant type: single nucleotide variant.
Coding change: c.2257T>C on transcript NM_000059.4 (MANE Select); coding-DNA position 2257, T replaced by C.
Protein change: p.Phe753Leu; replaces phenylalanine 753 with leucine.
Molecular consequence: missense variant.
Genome position (GRCh38, 1-based): chr13:32,336,612, T>C. VCF-style: chr13-32336612-T-C. GRCh37 (hg19) VCF-style: chr13-32910749-T-C.
Other names: short protein forms F753L.
Identifiers: ClinVar variation 236838 (VCV000236838.10), dbSNP rs878853562, ClinGen allele CA10583080.